The following is an entry in ClinVar:

NM_001042492.3(NF1):c.7193A>G (p.Tyr2398Cys)

Gene: NF1 (neurofibromin 1; plus strand). Cytogenetic location: 17q11.2.
Variant type: single nucleotide variant.
Coding change: c.7193A>G on transcript NM_001042492.3 (MANE Select); coding-DNA position 7193, A replaced by G.
Protein change: p.Tyr2398Cys; replaces tyrosine 2398 with cysteine.
Molecular consequence: missense variant.
Genome position (GRCh38, 1-based): chr17:31,349,123, A>G. VCF-style: chr17-31349123-A-G. GRCh37 (hg19) VCF-style: chr17-29676141-A-G.
Other names: c.7130A>G, p.Tyr2377Cys (NM_000267.4); short protein forms Y2377C, Y2398C.
Identifiers: ClinVar variation 561969 (VCV000561969.3), dbSNP rs1567623401, ClinGen allele CA399016656.
Genomic context (GRCh38, chr17:31,349,123, plus strand): 5'-CTTGTTCAAAAAATTAATTCTTACTTGTTTGTTTGTTTGTTTGTTTGTTTTTTGTAGGGT[A>G]CAGGCATCCTTCACCTGCTATTGTTGCAAGAACAGTCAGAATTTTACATACACTACTAAC-3'
Protein context (NP_001035957.1, residues 2388-2408): FALVGHLLKG[Tyr2398Cys]RHPSPAIVAR

ClinVar aggregate classification (germline): Uncertain significance. Review status: criteria provided, multiple submitters, no conflicts (2 of 4 stars). 2 submissions from 2 submitters: Uncertain significance (2). Last evaluated 2024-04-06.

Conditions:
Cardiovascular phenotype. Identifiers: MedGen CN230736.
Hereditary cancer-predisposing syndrome. Also called: Hereditary neoplastic syndrome; Neoplastic Syndromes, Hereditary; Tumor predisposition; Hereditary Cancer Syndrome. Identifiers: Orphanet 140162, MedGen C0027672, MeSH D009386, MONDO:0015356.

Submissions (2):

GeneDx
Classification: Uncertain significance. Last evaluated: 2024-04-06. Review status: criteria provided, single submitter. Criteria: GeneDx Variant Classification Process June 2021. Collection method: clinical testing. Allele origin: germline. Affected: yes.
Comment: Not observed at significant frequency in large population cohorts (gnomAD); In silico analysis supports that this missense variant has a deleterious effect on protein structure/function; Has not been previously published as pathogenic or benign to our knowledge; This variant is associated with the following publications: (PMID: 25486365)

Ambry Genetics
Classification: Uncertain significance for Cardiovascular phenotype; Hereditary cancer-predisposing syndrome. Last evaluated: 2023-09-16. Review status: criteria provided, single submitter. Criteria: Ambry Variant Classification Scheme 2023. Collection method: clinical testing. Allele origin: germline.
Comment: The p.Y2377C variant (also known as c.7130A>G), located in coding exon 48 of the NF1 gene, results from an A to G substitution at nucleotide position 7130. The tyrosine at codon 2377 is replaced by cysteine, an amino acid with highly dissimilar properties. This amino acid position is well conserved in available vertebrate species. In addition, the in silico prediction for this alteration is inconclusive. Since supporting evidence is limited at this time, the clinical significance of this alteration remains unclear.